The following is an entry in ClinVar:

ClinVar aggregate classification (germline): Uncertain significance (1 of 4 stars; one submission).

Conditions:
Cardiovascular phenotype. Identifiers: MedGen CN230736.

gnomAD v4.1: 2 of 1,613,866 alleles (0.00012%); no homozygotes.

Submission:

Ambry Genetics
Classification: Uncertain significance for Cardiovascular phenotype. Last evaluated: 2025-08-28. Review status: criteria provided, single submitter. Criteria: Ambry Variant Classification Scheme 2023. Collection method: clinical testing. Allele origin: germline.
Comment: The p.Q21R variant (also known as c.62A>G), located in coding exon 1 of the ANK2 gene, results from an A to G substitution at nucleotide position 62. The glutamine at codon 21 is replaced by arginine, an amino acid with highly similar properties. This amino acid position is conserved. In addition, this alteration is predicted to be tolerated by in silico analysis. Based on the available evidence, the clinical significance of this variant remains unclear.

NM_001148.6(ANK2):c.62A>G (p.Gln21Arg)

Gene: ANK2 (ankyrin 2; plus strand). Cytogenetic location: 4q25.
Variant type: single nucleotide variant.
Coding change: c.62A>G on transcript NM_001148.6 (MANE Select); coding-DNA position 62, A replaced by G.
Protein change: p.Gln21Arg; replaces glutamine 21 with arginine.
Molecular consequence: missense variant. On other transcripts: intron variant (43).
Genome position (GRCh38, 1-based): chr4:113,049,790, A>G. VCF-style: chr4-113049790-A-G. GRCh37 (hg19) VCF-style: chr4-113970946-A-G.
Other names: c.62A>G, p.Gln21Arg (NM_001354241.2, NM_001354245.2, NM_001354246.2 and 10 more transcripts); c.73-124626A>G (NM_001386186.2, NM_001386148.2, NM_001354269.3 and 1 more transcripts); c.22-101290A>G (NM_001386147.1, NM_001386160.1, NM_001354261.2); c.22-124626A>G (NM_001354254.2, NM_001354239.2, NM_001354252.2 and 33 more transcripts); short protein forms Q21R.
Identifiers: ClinVar variation 4096871 (VCV004096871.1).